The following is an entry in ClinVar:

NM_001567.4(INPPL1):c.634G>A (p.Ala212Thr)

Gene: INPPL1 (inositol polyphosphate phosphatase like 1; plus strand). Cytogenetic location: 11q13.4.
Variant type: single nucleotide variant.
Coding change: c.634G>A on transcript NM_001567.4 (MANE Select); coding-DNA position 634, G replaced by A.
Protein change: p.Ala212Thr; replaces alanine 212 with threonine.
Molecular consequence: missense variant.
Genome position (GRCh38, 1-based): chr11:72,229,205, G>A. VCF-style: chr11-72229205-G-A. GRCh37 (hg19) VCF-style: chr11-71940249-G-A.
Other names: c.634G>A (NM_001567.3); short protein forms A212T.
Identifiers: ClinVar variation 1432996 (VCV001432996.5), dbSNP rs17847214, ClinGen allele CA6169722.

ClinVar aggregate classification (germline): Uncertain significance. Review status: criteria provided, multiple submitters, no conflicts (2 of 4 stars). 2 submissions from 2 submitters: Uncertain significance (2). Last evaluated 2024-02-21.

Conditions:
Inborn genetic diseases. Identifiers: MedGen C0950123, MeSH D030342.

Allele frequency attached by ClinVar (database versions not stated): gnomAD 0.00004 and 0.00013; ESP Exome Variant Server 0.00008; TOPMed 0.00008; gnomAD exomes 0.00011 and 0.00017; ExAC 0.00014; 1000 Genomes Project 30x 0.00016; 1000 Genomes Project 0.00020.
gnomAD v4.1: 257 of 1,611,776 alleles (0.016%); highest among the groups gnomAD compares: East Asian, 0.51%; 1 homozygote.

Submissions (2):

Ambry Genetics
Classification: Uncertain significance for Inborn genetic diseases. Last evaluated: 2024-02-21. Review status: criteria provided, single submitter. Criteria: Ambry Variant Classification Scheme 2023. Collection method: clinical testing. Allele origin: germline.

Labcorp Genetics (formerly Invitae), Labcorp
Classification: Uncertain significance. Last evaluated: 2022-02-24. Review status: criteria provided, single submitter. Criteria: Invitae Variant Classification Sherloc (09022015). Collection method: clinical testing. Allele origin: germline.
Comment: In summary, the available evidence is currently insufficient to determine the role of this variant in disease. Therefore, it has been classified as a Variant of Uncertain Significance. Algorithms developed to predict the effect of missense changes on protein structure and function output the following: SIFT: "Tolerated"; PolyPhen-2: "Benign"; Align-GVGD: "Class C0". The threonine amino acid residue is found in multiple mammalian species, which suggests that this missense change does not adversely affect protein function. This variant has not been reported in the literature in individuals affected with INPPL1-related conditions. This variant is present in population databases (rs17847214, gnomAD 0.1%). This sequence change replaces alanine, which is neutral and non-polar, with threonine, which is neutral and polar, at codon 212 of the INPPL1 protein (p.Ala212Thr).